The following is an entry in ClinVar:

ClinVar aggregate classification (germline): Benign. Review status: criteria provided, multiple submitters, no conflicts (2 of 4 stars). 2 submissions from 2 submitters: Benign (2). Last evaluated 2018-06-16.

Allele frequency attached by ClinVar (database versions not stated): gnomAD exomes 0.01162; gnomAD 0.06682 and 0.07131; 1000 Genomes Project 0.07448; TOPMed 0.07471; 1000 Genomes Project 30x 0.08026.
gnomAD v4.1: 22,903 of 1,222,812 alleles (1.9%); highest among the groups gnomAD compares: African/African-American, 22%; 1,780 homozygotes.

Submissions (2):

GeneDx
Classification: Benign. Last evaluated: 2018-06-16. Review status: criteria provided, single submitter. Criteria: GeneDx Variant Classification (06012015). Collection method: clinical testing. Allele origin: germline. Affected: yes.
Comment: This variant is considered likely benign or benign based on one or more of the following criteria: it is a conservative change, it occurs at a poorly conserved position in the protein, it is predicted to be benign by multiple in silico algorithms, and/or has population frequency not consistent with disease.

Breakthrough Genomics
Classification: Benign. Review status: criteria provided, single submitter. Criteria: ACMG Guidelines, 2015. Collection method: not provided. Allele origin: germline. Inheritance: Autosomal dominant inheritance. Affected: yes.

NM_000138.5(FBN1):c.5066-93A>G

Gene: FBN1 (fibrillin 1; minus strand). Cytogenetic location: 15q21.1.
Variant type: single nucleotide variant.
Coding change: c.5066-93A>G on transcript NM_000138.5 (MANE Select); 93 bases into the intron before coding-DNA position 5066, A replaced by G.
Molecular consequence: intron variant.
Genome position (GRCh38, 1-based): chr15:48,463,333, T>C on the plus strand (A>G on the coding strand, the complement: FBN1 is on the minus strand). VCF-style: chr15-48463333-T-C. GRCh37 (hg19) VCF-style: chr15-48755530-T-C.
Identifiers: ClinVar variation 675253 (VCV000675253.2), dbSNP rs16960972, ClinGen allele CA15856819.